The following is an entry in ClinVar:

NM_004656.4(BAP1):c.11del (p.Gly4fs)

Gene: BAP1 (BRCA1 associated deubiquitinase 1; minus strand). Cytogenetic location: 3p21.1.
Variant type: Deletion.
Coding change: c.11del on transcript NM_004656.4 (MANE Select); coding-DNA position 11, one base deleted (G; older notation c.11delG).
Protein change: p.Gly4fs; shifts the reading frame from glycine 4.
Molecular consequence: frameshift variant.
Genome position (GRCh38, 1-based): chr3:52,409,868, C deleted on the plus strand (G on the coding strand, the reverse complement: BAP1 is on the minus strand); the first of 3 consecutive C bases (chr3:52,409,868-52,409,870); deleting any one gives the same sequence. VCF-style (leftmost placement, unchanged base first): chr3-52409867-GC-G. GRCh37 (hg19) VCF-style: chr3-52443883-GC-G.
Other names: short protein forms G4fs.
Identifiers: ClinVar variation 566165 (VCV000566165.6), dbSNP rs1559593389, ClinGen allele CA891842667.
Genomic context (GRCh38, chr3:52,409,867, plus strand): 5'-TCCCCAGCCCCTGGCCCTCCCGGTCCCCTCCTCACCTGGGTCGCTCTCCAGCTCCAGCCA[GC>G]CCTTATTCATCTTCCCGCGGGGCGGCCCCTCAGCGCCATGTCCAGGCCCTCCCTCCCCAC-3'

ClinVar aggregate classification (germline): Pathogenic (1 of 4 stars; one submission).

Conditions:
BAP1-related tumor predisposition syndrome (TPDS1). Also called: TUMOR PREDISPOSITION SYNDROME 1; Tumor susceptibility linked to germline BAP1 mutations; COMMON Syndrome; BAP1 tumor predisposition syndrome. Identifiers: Orphanet 289539, MedGen C3280492, MONDO:0013692, OMIM 614327.

Submission:

Labcorp Genetics (formerly Invitae), Labcorp
Classification: Pathogenic for BAP1-related tumor predisposition syndrome. Last evaluated: 2018-05-22. Review status: criteria provided, single submitter. Criteria: Invitae Variant Classification Sherloc (09022015). Collection method: clinical testing. Allele origin: germline.
Comment: For these reasons, this variant has been classified as Pathogenic. Loss-of-function variants in BAP1 are known to be pathogenic (PMID: 21874000, 23684012). This variant has not been reported in the literature in individuals with BAP1-related disease. This variant is not present in population databases (ExAC no frequency). This sequence change creates a premature translational stop signal (p.Gly4Alafs*68) in the BAP1 gene. It is expected to result in an absent or disrupted protein product.

Literature cited by the submitters: PubMed 21874000; PubMed 23684012.